The following is an entry in ClinVar:

ClinVar aggregate classification (germline): Pathogenic (1 of 4 stars; one submission).

Conditions:
Arrhythmogenic right ventricular dysplasia 8 (ARVD8). Also called: ARRHYTHMOGENIC RIGHT VENTRICULAR DYSPLASIA, FAMILIAL, 8; ARRHYTHMOGENIC RIGHT VENTRICULAR CARDIOMYOPATHY 8; Arrhythmogenic Right Ventricular Dysplasia/Cardiomyopathy 8. Identifiers: MedGen C1843896, MONDO:0011831, OMIM 607450.

Submission:

Victorian Clinical Genetics Services, Murdoch Childrens Research Institute
Classification: Pathogenic for Arrhythmogenic right ventricular dysplasia 8. Last evaluated: 2023-07-16. Review status: criteria provided, single submitter. Criteria: ACMG Guidelines, 2015. Collection method: clinical testing. Allele origin: germline. Inheritance: Autosomal dominant inheritance. Affected: yes.
Comment: Based on the classification scheme VCGS_Germline_v1.3.4, this variant is classified as Pathogenic. Following criteria are met: 0102 - Loss of function is a known mechanism of disease in this gene and is associated with arrhythmogenic right ventricular dysplasia 8 (MIM#607450) and other DSP-related cardiac disorders. (I) 0108 - This gene is associated with both recessive and dominant disease. Variants in this gene are usually inherited in a dominant manner, however rare reports of recessive inheritance have resulted in a more severe cardiac phenotype (OMIM). (I) 0115 - Variants in this gene are known to have variable expressivity. Age-dependent penetrance and variable expressivity are well-described aspects of arrhythmogenic cardiomyopathy (PMID: 29062697). (I) 0201 - Variant is predicted to cause nonsense-mediated decay (NMD) and loss of protein (premature termination codon is located at least 54 nucleotides upstream of the final exon-exon junction). (SP) 0251 - This variant is heterozygous. (I) 0301 - Variant is absent from gnomAD (both v2 and v3). (SP) 0701 - Other premature termination variants comparable to the one identified in this case have very strong previous evidence for pathogenicity. Many NMD-predicted variants in this gene have been reported as likely pathogenic/pathogenic (ClinVar). (SP) 0807 - This variant has no previous evidence of pathogenicity. (I) 0905 - No published segregation evidence has been identified for this variant. (I) 1007 - No published functional evidence has been identified for this variant. (I) 1208 - Inheritance information for this variant is not currently available in this individual. (I) Legend: (SP) - Supporting pathogenic, (I) - Information, (SB) - Supporting benign

Literature cited by the submitters: PubMed 29062697.

NM_004415.4(DSP):c.3110T>A (p.Leu1037Ter)

Gene: DSP (desmoplakin; plus strand). Cytogenetic location: 6p24.3.
Variant type: single nucleotide variant.
Coding change: c.3110T>A on transcript NM_004415.4 (MANE Select); coding-DNA position 3110, T replaced by A.
Protein change: p.Leu1037Ter; replaces leucine 1037 with a stop codon.
Molecular consequence: nonsense.
Genome position (GRCh38, 1-based): chr6:7,579,300, T>A. VCF-style: chr6-7579300-T-A. GRCh37 (hg19) VCF-style: chr6-7579533-T-A.
Other names: c.3110T>A, p.Leu1037Ter (NM_001008844.3, NM_001319034.2); short protein forms L1037*.
Identifiers: ClinVar variation 3376734 (VCV003376734.1).